The following is an entry in ClinVar:

ClinVar aggregate classification (germline): Uncertain significance (1 of 4 stars; one submission).

Conditions:
Fanconi anemia complementation group E (FANCE). Also called: FANCE-Related Fanconi Anemia. Identifiers: Orphanet 84, MedGen C3160739, MONDO:0010953, OMIM 600901.

Submission:

Labcorp Genetics (formerly Invitae), Labcorp
Classification: Uncertain significance for Fanconi anemia complementation group E. Last evaluated: 2023-10-04. Review status: criteria provided, single submitter. Criteria: Invitae Variant Classification Sherloc (09022015). Collection method: clinical testing. Allele origin: germline.
Comment: This sequence change replaces leucine, which is neutral and non-polar, with valine, which is neutral and non-polar, at codon 458 of the FANCE protein (p.Leu458Val). This variant is not present in population databases (gnomAD no frequency). This variant has not been reported in the literature in individuals affected with FANCE-related conditions. Advanced modeling of protein sequence and biophysical properties (such as structural, functional, and spatial information, amino acid conservation, physicochemical variation, residue mobility, and thermodynamic stability) performed at Invitae indicates that this missense variant is expected to disrupt FANCE protein function. In summary, the available evidence is currently insufficient to determine the role of this variant in disease. Therefore, it has been classified as a Variant of Uncertain Significance.

NM_021922.3(FANCE):c.1372C>G (p.Leu458Val)

Gene: FANCE (FA complementation group E; plus strand). Cytogenetic location: 6p21.31.
Variant type: single nucleotide variant.
Coding change: c.1372C>G on transcript NM_021922.3 (MANE Select); coding-DNA position 1372, C replaced by G.
Protein change: p.Leu458Val; replaces leucine 458 with valine.
Molecular consequence: missense variant. On other transcripts: intron variant (1).
Genome position (GRCh38, 1-based): chr6:35,460,607, C>G. VCF-style: chr6-35460607-C-G. GRCh37 (hg19) VCF-style: chr6-35428384-C-G.
Other names: c.1316+847C>G (NM_001410876.1); short protein forms L458V.
Identifiers: ClinVar variation 2760577 (VCV002760577.3), dbSNP rs2533685028, ClinGen allele CA363777796.